The following is an entry in ClinVar:

ClinVar aggregate classification (germline): Benign. Review status: criteria provided, multiple submitters, no conflicts (2 of 4 stars). 3 submissions from 3 submitters: Benign (3). Last evaluated 2026-02-04.

Submissions (3):

Labcorp Genetics (formerly Invitae), Labcorp
Classification: Benign. Last evaluated: 2026-02-04. Review status: criteria provided, single submitter. Criteria: Invitae Variant Classification Sherloc (09022015). Collection method: clinical testing. Allele origin: germline.

Unidad de Genómica Garrahan, Hospital de Pediatría Garrahan
Classification: Benign. Last evaluated: 2024-01-24. Review status: criteria provided, single submitter. Criteria: ACMG Guidelines, 2015. Collection method: clinical testing. Allele origin: germline. Affected: no. Observed: 70 variant alleles.
Comment: This variant is classified as Benign based on local population frequency. This variant was detected in 80% of patients studied by a panel of primary immunodeficiencies. Number of patients: 70. Only high quality variants are reported.

Mayo Clinic Laboratories, Mayo Clinic
Classification: Benign. Last evaluated: 2022-09-06. Review status: criteria provided, single submitter. Criteria: ACMG Guidelines, 2015. Collection method: clinical testing. Allele origin: germline. Observed: 4 variant alleles.

NM_006384.4(CIB1):c.347-6_347-3del

Gene: CIB1 (calcium and integrin binding 1; minus strand). Cytogenetic location: 15q26.1.
Variant type: Microsatellite.
Coding change: c.347-6_347-3del on transcript NM_006384.4 (MANE Select); 6 bases into the intron before coding-DNA position 347 through 3 bases into the intron before coding-DNA position 347, 4 bases deleted (CTCT; older notation c.347-6_347-3delCTCT).
Molecular consequence: intron variant.
Genome position (GRCh38, 1-based): chr15:90,231,216-90,231,219, AGAG deleted on the plus strand (CTCT on the coding strand, the reverse complement: CIB1 is on the minus strand); deleting any 4 consecutive bases within chr15:90,231,216-90,231,221 gives the same sequence; the c. name uses the placement nearest the transcript's 3' end. VCF-style (leftmost placement, unchanged base first): chr15-90231215-TAGAG-T. GRCh37 (hg19) VCF-style: chr15-90774447-TAGAG-T.
Other names: p.?; c.467-6_467-3del (NM_001277764.2).
Identifiers: ClinVar variation 1169184 (VCV001169184.12), dbSNP rs34604050, ClinGen allele CA7734205.